The following is an entry in ClinVar:

ClinVar aggregate classification (germline): Uncertain significance (1 of 4 stars; one submission).

gnomAD v4.1: 20 of 1,613,990 alleles (0.0012%); highest among the groups gnomAD compares: Non-Finnish European, 0.0017%; no homozygotes.

Submission:

Labcorp Genetics (formerly Invitae), Labcorp
Classification: Uncertain significance. Last evaluated: 2024-06-09. Review status: criteria provided, single submitter. Criteria: Invitae Variant Classification Sherloc (09022015). Collection method: clinical testing. Allele origin: germline.
Comment: This sequence change replaces aspartic acid, which is acidic and polar, with asparagine, which is neutral and polar, at codon 33 of the C10orf11 protein (p.Asp33Asn). This variant is not present in population databases (gnomAD no frequency). This missense change has been observed in individual(s) with clinical features of C10orf11-related conditions (Invitae). In at least one individual the data is consistent with being in trans (on the opposite chromosome) from a pathogenic variant. An algorithm developed to predict the effect of missense changes on protein structure and function (PolyPhen-2) suggests that this variant is likely to be disruptive. In summary, the available evidence is currently insufficient to determine the role of this variant in disease. Therefore, it has been classified as a Variant of Uncertain Significance.

NM_001305581.2(LRMDA):c.181G>A (p.Asp61Asn)

Genes: LRMDA (leucine rich melanocyte differentiation associated; plus strand), LOC110121427 (VISTA enhancer hs1679; plus strand). Cytogenetic location: 10q22.3.
Variant type: single nucleotide variant.
Coding change: c.181G>A on transcript NM_001305581.2 (MANE Select); coding-DNA position 181, G replaced by A.
Protein change: p.Asp61Asn; replaces aspartic acid 61 with asparagine.
Molecular consequence: missense variant. On other transcripts: non-coding transcript variant (1).
Genome position (GRCh38, 1-based): chr10:76,036,057, G>A. VCF-style: chr10-76036057-G-A. GRCh37 (hg19) VCF-style: chr10-77795815-G-A.
Other names: c.97G>A, p.Asp33Asn (NM_032024.5); short protein forms D33N, D61N.
Identifiers: ClinVar variation 3707251 (VCV003707251.2).